The following is an entry in ClinVar:

ClinVar aggregate classification (germline): Uncertain significance (1 of 4 stars; one submission).

Submission:

Labcorp Genetics (formerly Invitae), Labcorp
Classification: Uncertain significance. Last evaluated: 2023-04-23. Review status: criteria provided, single submitter. Criteria: Invitae Variant Classification Sherloc (09022015). Collection method: clinical testing. Allele origin: germline.
Comment: In summary, the available evidence is currently insufficient to determine the role of this variant in disease. Therefore, it has been classified as a Variant of Uncertain Significance. Experimental studies and prediction algorithms are not available or were not evaluated, and the functional significance of this variant is currently unknown. This variant has not been reported in the literature in individuals affected with ABL1-related conditions. This variant is not present in population databases (gnomAD no frequency). This sequence change creates a premature translational stop signal (p.Trp146*) in the ABL1 gene. It is expected to result in an absent or disrupted protein product. However, the current clinical and genetic evidence is not sufficient to establish whether loss-of-function variants in ABL1 cause disease.

NM_005157.6(ABL1):c.381G>A (p.Trp127Ter)

Gene: ABL1 (ABL proto-oncogene 1, non-receptor tyrosine kinase; plus strand). Cytogenetic location: 9q34.12.
Variant type: single nucleotide variant.
Coding change: c.381G>A on transcript NM_005157.6 (MANE Select); coding-DNA position 381, G replaced by A.
Protein change: p.Trp127Ter; replaces tryptophan 127 with a stop codon.
Molecular consequence: nonsense.
Genome position (GRCh38, 1-based): chr9:130,854,928, G>A. VCF-style: chr9-130854928-G-A. GRCh37 (hg19) VCF-style: chr9-133730315-G-A.
Other names: c.438G>A, p.Trp146Ter (NM_007313.3); short protein forms W127*, W146*.
Identifiers: ClinVar variation 2855540 (VCV002855540.3), dbSNP rs2490674662, ClinGen allele CA375258186.